The following is an entry in ClinVar:

ClinVar aggregate classification (germline): Uncertain significance (1 of 4 stars; one submission).

Conditions:
Multiple sulfatase deficiency (MSD). Also called: Mucosulfatidosis; Multiple Sulfatase Deficiency Disease; Sulfatidosis, Juvenile, Austin Type. Identifiers: Orphanet 585, MedGen C0268263, MONDO:0010088, OMIM 272200.

Allele frequency attached by ClinVar (database versions not stated): ExAC 0.00001; gnomAD exomes 0.00001.
gnomAD v4.1: 3 of 1,614,104 alleles (0.00019%); highest among the groups gnomAD compares: Non-Finnish European, 0.00025%; no homozygotes.

Submission:

Labcorp Genetics (formerly Invitae), Labcorp
Classification: Uncertain significance for Multiple sulfatase deficiency. Last evaluated: 2021-09-01. Review status: criteria provided, single submitter. Criteria: Invitae Variant Classification Sherloc (09022015). Collection method: clinical testing. Allele origin: germline.
Comment: This sequence change replaces alanine with serine at codon 173 of the SUMF1 protein (p.Ala173Ser). The alanine residue is highly conserved and there is a moderate physicochemical difference between alanine and serine. This variant is present in population databases (rs755329565, ExAC 0.001%). This variant has not been reported in the literature in individuals affected with SUMF1-related conditions. Algorithms developed to predict the effect of missense changes on protein structure and function are either unavailable or do not agree on the potential impact of this missense change (SIFT: "Tolerated"; PolyPhen-2: "Possibly Damaging"; Align-GVGD: "Class C0"). Algorithms developed to predict the effect of sequence changes on RNA splicing suggest that this variant may create or strengthen a splice site. In summary, the available evidence is currently insufficient to determine the role of this variant in disease. Therefore, it has been classified as a Variant of Uncertain Significance.

NM_182760.4(SUMF1):c.517G>T (p.Ala173Ser)

Gene: SUMF1 (sulfatase modifying factor 1; minus strand). Cytogenetic location: 3p26.1.
Variant type: single nucleotide variant.
Coding change: c.517G>T on transcript NM_182760.4 (MANE Select); coding-DNA position 517, G replaced by T.
Protein change: p.Ala173Ser; replaces alanine 173 with serine.
Molecular consequence: missense variant. On other transcripts: intron variant (1).
Genome position (GRCh38, 1-based): chr3:4,449,268, C>A on the plus strand (G>T on the coding strand, the complement: SUMF1 is on the minus strand). VCF-style: chr3-4449268-C-A. GRCh37 (hg19) VCF-style: chr3-4490952-C-A.
Other names: c.517G>T, p.Ala173Ser (NM_001164675.2); c.444+3608G>T (NM_001164674.2); short protein forms A173S.
Identifiers: ClinVar variation 1434177 (VCV001434177.5), dbSNP rs755329565, ClinGen allele CA2230582.